The following is an entry in ClinVar:

NM_001385641.1(SAMD11):c.1859C>T (p.Ala620Val)

Gene: SAMD11 (sterile alpha motif domain containing 11; plus strand). Cytogenetic location: 1p36.33.
Variant type: single nucleotide variant.
Coding change: c.1859C>T on transcript NM_001385641.1 (MANE Select); coding-DNA position 1859, C replaced by T.
Protein change: p.Ala620Val; replaces alanine 620 with valine.
Molecular consequence: missense variant.
Genome position (GRCh38, 1-based): chr1:942,864, C>T. VCF-style: chr1-942864-C-T. GRCh37 (hg19) VCF-style: chr1-878244-C-T.
Other names: c.1862C>T, p.Ala621Val (NM_001385640.1); c.1370C>T, p.Ala457Val (NM_152486.4); short protein forms A457V, A620V, A621V.
Identifiers: ClinVar variation 972129 (VCV000972129.11), dbSNP rs1318154423, ClinGen allele CA337811714.
Genomic context (GRCh38, chr1:942,864, plus strand): 5'-CCGGCCCTGCCTCAGCGCGGCCCAGCGAGTCCAAGGAGATGACGGGGGCTAGGCTCTGGG[C>T]ACAAGATGGCTCGGAAGACGAGCCCCCCAAAGACTCGGACGGAGAGGACCCCGAGACGGC-3'
Protein context (NP_001372570.1, residues 610-630): SKEMTGARLW[Ala620Val]QDGSEDEPPK

ClinVar aggregate classification (germline): Uncertain significance. Review status: criteria provided, multiple submitters, no conflicts (2 of 4 stars). 2 submissions from 2 submitters: Uncertain significance (2). Last evaluated 2022-05-28.

Allele frequency attached by ClinVar (database versions not stated): gnomAD exomes 0.00001; TOPMed 0.00001.

Submissions (2):

Labcorp Genetics (formerly Invitae), Labcorp
Classification: Uncertain significance. Last evaluated: 2022-05-28. Review status: criteria provided, single submitter. Criteria: Invitae Variant Classification Sherloc (09022015). Collection method: clinical testing. Allele origin: germline.
Comment: In summary, the available evidence is currently insufficient to determine the role of this variant in disease. Therefore, it has been classified as a Variant of Uncertain Significance. This sequence change replaces alanine, which is neutral and non-polar, with valine, which is neutral and non-polar, at codon 457 of the SAMD11 protein (p.Ala457Val). The frequency data for this variant in the population databases is considered unreliable, as metrics indicate poor data quality at this position in the gnomAD database. This variant has not been reported in the literature in individuals affected with SAMD11-related conditions. ClinVar contains an entry for this variant (Variation ID: 972129). Algorithms developed to predict the effect of missense changes on protein structure and function output the following: SIFT: "Tolerated"; PolyPhen-2: "Benign"; Align-GVGD: "Class C0". The valine amino acid residue is found in multiple mammalian species, which suggests that this missense change does not adversely affect protein function.

Blueprint Genetics
Classification: Uncertain significance. Last evaluated: 2022-03-17. Review status: criteria provided, single submitter. Criteria: ACMG Guidelines, 2015. Collection method: clinical testing. Allele origin: germline.